The following is an entry in ClinVar:

ClinVar aggregate classification (germline): Uncertain significance (1 of 4 stars; one submission).

Conditions:
Hereditary orotic aciduria, type 1. Also called: Orotic aciduria type 1; Oroticaciduria 1. Identifiers: MedGen C0268130.

Submission:

Labcorp Genetics (formerly Invitae), Labcorp
Classification: Uncertain significance for Hereditary orotic aciduria, type 1. Last evaluated: 2025-05-16. Review status: criteria provided, single submitter. Criteria: Invitae Variant Classification Sherloc (09022015). Collection method: clinical testing. Allele origin: germline.
Comment: This sequence change creates a premature translational stop signal (p.Leu301Glyfs*5) in the UMPS gene. It is expected to result in an absent or disrupted protein product. However, the current clinical and genetic evidence is not sufficient to establish whether loss-of-function variants in UMPS cause disease. This variant is not present in population databases (gnomAD no frequency). This variant has not been reported in the literature in individuals affected with UMPS-related conditions. Algorithms developed to predict the effect of sequence changes on RNA splicing suggest that this variant may disrupt the consensus splice site. In summary, the available evidence is currently insufficient to determine the role of this variant in disease. Therefore, it has been classified as a Variant of Uncertain Significance.

NM_000373.4(UMPS):c.901_902del (p.Leu301fs)

Gene: UMPS (uridine monophosphate synthetase; plus strand). Cytogenetic location: 3q21.2.
Variant type: Microsatellite.
Coding change: c.901_902del on transcript NM_000373.4 (MANE Select); coding-DNA positions 901 to 902, 2 bases deleted (CT; older notation c.901_902delCT).
Protein change: p.Leu301fs; shifts the reading frame from leucine 301.
Molecular consequence: frameshift variant. On other transcripts: non-coding transcript variant (2).
Genome position (GRCh38, 1-based): chr3:124,738,158-124,738,159, CT deleted; deleting any 2 consecutive bases within chr3:124,738,156-124,738,159 gives the same sequence; the c. name uses the placement nearest the transcript's 3' end. VCF-style (leftmost placement, unchanged base first): chr3-124738155-ACT-A. GRCh37 (hg19) VCF-style: chr3-124457002-ACT-A.
Other names: short protein forms L301fs.
Identifiers: ClinVar variation 1026262 (VCV001026262.6), dbSNP rs992867962, ClinGen allele CA83056268.
Genomic context (GRCh38, chr3:124,738,155, plus strand): 5'-CTGAAGACTCATGTAGATATTTTGAATGATTTTACTCTGGATGTGATGAAGGAGTTGATA[ACT>A]CTGGCAAAATGCCATGAGTTCTTGATATTTGAAGACCGGAAGTTTGCAGATATAGGAAAC-3'